The following is an entry in ClinVar:

ClinVar aggregate classification (germline): Uncertain significance (1 of 4 stars; one submission).

Submission:

GeneDx
Classification: Uncertain significance. Last evaluated: 2024-07-30. Review status: criteria provided, single submitter. Criteria: GeneDx Variant Classification Process June 2021. Collection method: clinical testing. Allele origin: germline. Affected: yes.
Comment: Not observed at significant frequency in large population cohorts (gnomAD); In silico analysis supports that this missense variant has a deleterious effect on protein structure/function; Has not been previously published as pathogenic or benign to our knowledge

NM_001270.4(CHD1):c.2104G>A (p.Val702Met)

Gene: CHD1 (chromodomain helicase DNA binding protein 1; minus strand). Cytogenetic location: 5q15.
Variant type: single nucleotide variant.
Coding change: c.2104G>A on transcript NM_001270.4 (MANE Select); coding-DNA position 2104, G replaced by A.
Protein change: p.Val702Met; replaces valine 702 with methionine.
Molecular consequence: missense variant. On other transcripts: non-coding transcript variant (2).
Genome position (GRCh38, 1-based): chr5:98,892,601, C>T on the plus strand (G>A on the coding strand, the complement: CHD1 is on the minus strand). VCF-style: chr5-98892601-C-T. GRCh37 (hg19) VCF-style: chr5-98228305-C-T.
Other names: c.2104G>A, p.Val702Met (NM_001364113.3, NM_001376194.2); short protein forms V702M.
Identifiers: ClinVar variation 3602494 (VCV003602494.1).